The following is an entry in ClinVar:

NM_000286.3(PEX12):c.771del (p.Leu258fs)

Gene: PEX12 (peroxisomal biogenesis factor 12; minus strand). Cytogenetic location: 17q12.
Variant type: Deletion.
Coding change: c.771del on transcript NM_000286.3 (MANE Select); coding-DNA position 771, one base deleted (C; older notation c.771delC).
Protein change: p.Leu258fs; shifts the reading frame from leucine 258.
Molecular consequence: frameshift variant.
Genome position (GRCh38, 1-based): chr17:35,576,091, G deleted on the plus strand (C on the coding strand, the reverse complement: PEX12 is on the minus strand). VCF-style (leftmost placement, unchanged base first): chr17-35576090-AG-A. GRCh37 (hg19) VCF-style: chr17-33903109-AG-A.
Other names: short protein forms L258fs.
Identifiers: ClinVar variation 553650 (VCV000553650.5), dbSNP rs1555549754, ClinGen allele CA658824203.
Genomic context (GRCh38, chr17:35,576,090, plus strand): 5'-CAGTCAATGACTTGATGGTTTCTTGATTTTCAGATGAGTACCACCAGTCAAGGAACTGCA[AG>A]AAGAATACACCCACAGAAAGGCCAGTAGACAGGGATAAGGCAACACCCCCAACAGCTTTC-3'

ClinVar aggregate classification (germline): Pathogenic. Review status: criteria provided, single submitter (1 of 4 stars). 2 submissions from 2 submitters: Pathogenic (1). 1 of the submissions does not count toward it. Last evaluated 2025-04-07.

Conditions:
Peroxisome biogenesis disorder 3A (Zellweger). Also called: PEROXISOMAL BIOGENESIS DISORDER 3A (ZELLWEGER); Peroxisome biogenesis disorder 3A. Identifiers: Orphanet 912, MedGen C3553929, MONDO:0013927, OMIM 614859.
Peroxisome biogenesis disorder type 3B. Identifiers: Orphanet 44, Orphanet 772, MedGen C3550693, MONDO:0009959, OMIM 266510.

Allele frequency attached by ClinVar (database versions not stated): TOPMed 0.00001.

Submissions (2):

Labcorp Genetics (formerly Invitae), Labcorp
Classification: Pathogenic for Peroxisome biogenesis disorder 3A (Zellweger). Last evaluated: 2025-04-07. Review status: criteria provided, single submitter. Criteria: Invitae Variant Classification Sherloc (09022015). Collection method: clinical testing. Allele origin: germline.
Comment: This sequence change creates a premature translational stop signal (p.Leu258Cysfs*19) in the PEX12 gene. While this is not anticipated to result in nonsense mediated decay, it is expected to disrupt the last 102 amino acid(s) of the PEX12 protein. This variant is not present in population databases (gnomAD no frequency). This variant has not been reported in the literature in individuals affected with PEX12-related conditions. ClinVar contains an entry for this variant (Variation ID: 553650). This variant disrupts a region of the PEX12 protein in which other variant(s) (p.Gln349del) have been determined to be pathogenic (PMID: 15542397, 21031596; internal data). This suggests that this is a clinically significant region of the protein, and that variants that disrupt it are likely to be disease-causing. For these reasons, this variant has been classified as Pathogenic.

Counsyl
Classification: Likely pathogenic for Peroxisome biogenesis disorder type 3B; Peroxisome biogenesis disorder 3A (Zellweger). Last evaluated: 2017-09-01. Review status: no assertion criteria provided. Collection method: clinical testing. Allele origin: unknown. Not counted in ClinVar's aggregate classification.

Literature cited by the submitters: PubMed 15542397 (cited by Labcorp Genetics (formerly Invitae), Labcorp); PubMed 21031596 (cited by Labcorp Genetics (formerly Invitae), Labcorp).